The following is an entry in ClinVar:

ClinVar aggregate classification (germline): Uncertain significance (1 of 4 stars; one submission).

Submission:

Ambry Genetics
Classification: Uncertain significance. Last evaluated: 2022-05-24. Review status: criteria provided, single submitter. Criteria: Ambry Variant Classification Scheme 2023. Collection method: clinical testing. Allele origin: germline.
Comment: The p.R113T variant (also known as c.338G>C), located in coding exon 5 of the FAM175A gene, results from a G to C substitution at nucleotide position 338. The arginine at codon 113 is replaced by threonine, an amino acid with similar properties. This amino acid position is conserved. In addition, this alteration is predicted to be deleterious by in silico analysis. Since supporting evidence is limited at this time, the clinical significance of this alteration remains unclear.

NM_139076.3(ABRAXAS1):c.338G>C (p.Arg113Thr)

Gene: ABRAXAS1 (abraxas 1, BRCA1 A complex subunit; minus strand). Cytogenetic location: 4q21.23.
Variant type: single nucleotide variant.
Coding change: c.338G>C on transcript NM_139076.3 (MANE Select); coding-DNA position 338, G replaced by C.
Protein change: p.Arg113Thr; replaces arginine 113 with threonine.
Molecular consequence: missense variant.
Genome position (GRCh38, 1-based): chr4:83,470,341, C>G on the plus strand (G>C on the coding strand, the complement: ABRAXAS1 is on the minus strand). VCF-style: chr4-83470341-C-G. GRCh37 (hg19) VCF-style: chr4-84391494-C-G.
Other names: c.11G>C, p.Arg4Thr (NM_001345962.2); short protein forms R113T, R4T.
Identifiers: ClinVar variation 1800032 (VCV001800032.2), dbSNP rs2529438330, ClinGen allele CA357260080.
Genomic context (GRCh38, chr4:83,470,341, plus strand): 5'-AGAAAAACAAGGTCTTGGTTTGAAAAATGCTCCTGCAAGTTTTTGTGAAGCAGCCTCTCT[C>G]TAAACGTCATGATCTGATCTGAATGACGACGGAATTTGTACCAACCTACCACATTCTGAA-3'
Protein context (NP_620775.2, residues 103-123): RRHSDQIMTF[Arg113Thr]ERLLHKNLQE